The following is an entry in ClinVar:

ClinVar aggregate classification (germline): Likely benign. Review status: criteria provided, multiple submitters, no conflicts (2 of 4 stars). 2 submissions from 2 submitters: Likely benign (2). Last evaluated 2025-12-01.

Allele frequency attached by ClinVar (database versions not stated): gnomAD exomes 0.00027; ExAC 0.00035; ESP Exome Variant Server 0.00046; 1000 Genomes Project 0.00060; 1000 Genomes Project 30x 0.00062; gnomAD 0.00063; TOPMed 0.00065.
gnomAD v4.1: 532 of 1,614,176 alleles (0.033%); highest among the groups gnomAD compares: Admixed American, 0.13%; no homozygotes.

Submissions (2):

CeGaT Center for Human Genetics Tuebingen
Classification: Likely benign. Last evaluated: 2025-12-01. Review status: criteria provided, single submitter. Criteria: CeGaT Center For Human Genetics Tuebingen Variant Classification Criteria Version 2. Collection method: clinical testing. Allele origin: germline. Affected: yes. Observed: 4 variant alleles.
Comment: FLG: BP4, BP7

Blueprint Genetics
Classification: Likely benign. Last evaluated: 2024-11-22. Review status: criteria provided, single submitter. Criteria: ACMG Guidelines, 2015. Collection method: clinical testing. Allele origin: germline.

NM_002016.2(FLG):c.11880T>C (p.Ser3960=)

Genes: CCDST (cervical cancer associated DHX9 suppressive transcript; plus strand), FLG (filaggrin; minus strand). Cytogenetic location: 1q21.3.
Variant type: single nucleotide variant.
Coding change: c.11880T>C on transcript NM_002016.2 (MANE Select); coding-DNA position 11880, T replaced by C.
Protein change: p.Ser3960=; no amino-acid change (serine 3960 retained).
Molecular consequence: synonymous variant.
Genome position (GRCh38, 1-based): chr1:152,303,006, A>G on the plus strand (T>C on the coding strand, the complement: FLG is on the minus strand). VCF-style: chr1-152303006-A-G. GRCh37 (hg19) VCF-style: chr1-152275482-A-G.
Identifiers: ClinVar variation 2639221 (VCV002639221.25), dbSNP rs144643375, ClinGen allele CA1102755.